The following is an entry in ClinVar:

ClinVar aggregate classification (germline): Uncertain significance (1 of 4 stars; one submission).

gnomAD v4.1: 26 of 1,613,972 alleles (0.0016%); highest among the groups gnomAD compares: Non-Finnish European, 0.0019%; no homozygotes.

Submission:

Labcorp Genetics (formerly Invitae), Labcorp
Classification: Uncertain significance. Last evaluated: 2024-10-21. Review status: criteria provided, single submitter. Criteria: Invitae Variant Classification Sherloc (09022015). Collection method: clinical testing. Allele origin: germline.
Comment: This sequence change creates a premature translational stop signal (p.Arg345*) in the RFWD3 gene. It is expected to result in an absent or disrupted protein product. However, the current clinical and genetic evidence is not sufficient to establish whether loss-of-function variants in RFWD3 cause disease. This variant is present in population databases (no rsID available, gnomAD 0.0009%). This variant has not been reported in the literature in individuals affected with RFWD3-related conditions. In summary, the available evidence is currently insufficient to determine the role of this variant in disease. Therefore, it has been classified as a Variant of Uncertain Significance.

NM_018124.4(RFWD3):c.1033C>T (p.Arg345Ter)

Gene: RFWD3 (ring finger and WD repeat domain 3; minus strand). Cytogenetic location: 16q23.1.
Variant type: single nucleotide variant.
Coding change: c.1033C>T on transcript NM_018124.4 (MANE Select); coding-DNA position 1033, C replaced by T.
Protein change: p.Arg345Ter; replaces arginine 345 with a stop codon.
Molecular consequence: nonsense.
Genome position (GRCh38, 1-based): chr16:74,644,408, G>A on the plus strand (C>T on the coding strand, the complement: RFWD3 is on the minus strand). VCF-style: chr16-74644408-G-A. GRCh37 (hg19) VCF-style: chr16-74678306-G-A.
Other names: c.1033C>T, p.Arg345Ter (NM_001370534.1, NM_001370535.1, NM_001370536.1); c.199C>T, p.Arg67Ter (NM_001370537.1, NM_001370539.1, NM_001370540.1 and 2 more transcripts); short protein forms R345*, R67*.
Identifiers: ClinVar variation 3701624 (VCV003701624.2).